The following is an entry in ClinVar:

ClinVar aggregate classification (germline): Benign/Likely benign. Review status: criteria provided, multiple submitters, no conflicts (2 of 4 stars). 13 submissions from 12 submitters: Benign (7); Likely benign (2). 4 of the submissions do not count toward it. Last evaluated 2026-02-04.

Conditions:
ABCC9-related disorder. Also called: ABCC9-related condition; ABCC9-related disorders.
Cardiomyopathy (CMYO). Also called: Cardiomyopathies. Identifiers: Orphanet 167848, MedGen C0878544, MONDO:0004994, HP:0001638. Inheritance: Various modes of inheritance.
Hypertrichotic osteochondrodysplasia Cantu type. Also called: Cantu Syndrome; Cantú Syndrome. Identifiers: Orphanet 1517, MedGen C0795905, MONDO:0009406, OMIM 239850.
Dilated cardiomyopathy 1O (CMD1O). Also called: CARDIOMYOPATHY, DILATED, WITH VENTRICULAR TACHYCARDIA. Identifiers: Orphanet 154, MedGen C1837839, MONDO:0012062, OMIM 608569.

Allele frequency attached by ClinVar (database versions not stated): gnomAD exomes 0.00402 and 0.00156; gnomAD 0.01097 and 0.01183; ESP Exome Variant Server 0.01469; ExAC 0.00443; 1000 Genomes Project 0.01098; 1000 Genomes Project 30x 0.01249; TOPMed 0.01248.
gnomAD v4.1: 4,050 of 1,611,134 alleles (0.25%); highest among the groups gnomAD compares: African/African-American, 3.5%; 56 homozygotes.

Submissions (13):

Labcorp Genetics (formerly Invitae), Labcorp
Classification: Benign for Dilated cardiomyopathy 1O. Last evaluated: 2026-02-04. Review status: criteria provided, single submitter. Criteria: Invitae Variant Classification Sherloc (09022015). Collection method: clinical testing. Allele origin: germline.

ARUP Laboratories, Molecular Genetics and Genomics, ARUP Laboratories
Classification: Benign. Last evaluated: 2025-06-25. Review status: criteria provided, single submitter. Criteria: ARUP Molecular Germline Variant Investigation Process 2024. Collection method: clinical testing. Allele origin: germline.

Illumina Laboratory Services, Illumina
Classification: Benign for Hypertrichotic osteochondrodysplasia Cantu type. Last evaluated: 2018-01-13. Review status: criteria provided, single submitter. Criteria: ICSL Variant Classification Criteria 13 December 2019. Collection method: clinical testing. Allele origin: germline.
Comment: This variant was observed in the ICSL laboratory as part of a predisposition screen in an ostensibly healthy population. It had not been previously curated by ICSL or reported in the Human Gene Mutation Database (HGMD: prior to June 1st, 2018), and was therefore a candidate for classification through an automated scoring system. Utilizing variant allele frequency, disease prevalence and penetrance estimates, and inheritance mode, an automated score was calculated to assess if this variant is too frequent to cause the disease. Based on the score and internal cut-off values, a variant classified as benign is not then subjected to further curation. The score for this variant resulted in a classification of benign for this disease.

Illumina Laboratory Services, Illumina
Classification: Likely benign for Dilated cardiomyopathy 1O. Last evaluated: 2018-01-13. Review status: criteria provided, single submitter. Criteria: ICSL Variant Classification Criteria 13 December 2019. Collection method: clinical testing. Allele origin: germline.
Comment: This variant was observed in the ICSL laboratory as part of a predisposition screen in an ostensibly healthy population. It had not been previously curated by ICSL or reported in the Human Gene Mutation Database (HGMD: prior to June 1st, 2018), and was therefore a candidate for classification through an automated scoring system. Utilizing variant allele frequency, disease prevalence and penetrance estimates, and inheritance mode, an automated score was calculated to assess if this variant is too frequent to cause the disease. Based on the score and internal cut-off values, a variant classified as likely benign is not then subjected to further curation. The score for this variant resulted in a classification of likely benign for this disease.

Mayo Clinic Laboratories, Mayo Clinic
Classification: Benign. Last evaluated: 2016-02-09. Review status: criteria provided, single submitter. Criteria: ACMG Guidelines, 2015. Collection method: clinical testing. Allele origin: germline. Observed: 13 variant alleles.

GeneDx
Classification: Benign. Last evaluated: 2014-01-24. Review status: criteria provided, single submitter. Criteria: GeneDx Variant Classification (06012015). Collection method: clinical testing. Allele origin: germline. Affected: yes.
Comment: This variant is considered likely benign or benign based on one or more of the following criteria: it is a conservative change, it occurs at a poorly conserved position in the protein, it is predicted to be benign by multiple in silico algorithms, and/or has population frequency not consistent with disease.

Women's Health and Genetics/Laboratory Corporation of America, LabCorp
Classification: Benign for Cardiomyopathy. Last evaluated: 2011-08-18. Review status: criteria provided, single submitter. Criteria: LabCorp Variant Classification Summary - May 2015. Collection method: curation. Allele origin: germline. Inheritance: autosomal unknown. Affected: yes.
ClinVar note: Converted during submission from benign to Benign.

Laboratory for Molecular Medicine, Mass General Brigham Personalized Medicine
Classification: Benign. Last evaluated: 2009-07-08. Review status: criteria provided, single submitter. Criteria: LMM Criteria. Collection method: clinical testing. Allele origin: germline. Observed: 33 variant alleles.

Breakthrough Genomics
Classification: Likely benign. Review status: criteria provided, single submitter. Criteria: ACMG Guidelines, 2015. Collection method: not provided. Allele origin: germline. Inheritance: Autosomal recessive inheritance. Affected: yes.

PreventionGenetics, part of Exact Sciences
Classification: Benign for ABCC9-related condition. Last evaluated: 2019-05-03. Review status: no assertion criteria provided. Collection method: clinical testing. Allele origin: germline. Not counted in ClinVar's aggregate classification.
Comment: This variant is classified as benign based on ACMG/AMP sequence variant interpretation guidelines (Richards et al. 2015 PMID: 25741868, with internal and published modifications).

Clinical Genetics DNA and cytogenetics Diagnostics Lab, Erasmus MC, Erasmus Medical Center
Classification: Benign. Review status: no assertion criteria provided. Collection method: clinical testing. Allele origin: germline. Affected: yes. Study: VKGL Data-share Consensus. Not counted in ClinVar's aggregate classification.

Clinical Genetics, Academic Medical Center
Classification: Benign. Review status: no assertion criteria provided. Collection method: clinical testing. Allele origin: germline. Affected: yes. Study: VKGL Data-share Consensus. Not counted in ClinVar's aggregate classification.

Joint Genome Diagnostic Labs from Nijmegen and Maastricht, Radboudumc and MUMC+
Classification: Benign. Review status: no assertion criteria provided. Collection method: clinical testing. Allele origin: germline. Affected: yes. Study: VKGL Data-share Consensus. Not counted in ClinVar's aggregate classification.

NM_020297.4(ABCC9):c.789C>T (p.Cys263=)

Gene: ABCC9 (ATP binding cassette subfamily C member 9; minus strand). Cytogenetic location: 12p12.1.
Variant type: single nucleotide variant.
Coding change: c.789C>T on transcript NM_020297.4 (MANE Select); coding-DNA position 789, C replaced by T.
Protein change: p.Cys263=; no amino-acid change (cysteine 263 retained).
Molecular consequence: synonymous variant. On other transcripts: intron variant (1).
Genome position (GRCh38, 1-based): chr12:21,915,695, G>A on the plus strand (C>T on the coding strand, the complement: ABCC9 is on the minus strand). VCF-style: chr12-21915695-G-A. GRCh37 (hg19) VCF-style: chr12-22068629-G-A.
Other names: p.C263C:TGC>TGT; p.Cys263=; c.789C>T, p.Cys263= (NM_001377273.1, NM_005691.4); c.-48-2629C>T (NM_001377274.1); c.789C>T (NM_020297.3).
Identifiers: ClinVar variation 35635 (VCV000035635.36), dbSNP rs58386780, ClinGen allele CA282561.